The following is an entry in ClinVar:

NM_001278116.2(L1CAM):c.3616G>A (p.Asp1206Asn)

Gene: L1CAM (L1 cell adhesion molecule; minus strand). Cytogenetic location: Xq28.
Variant type: single nucleotide variant.
Coding change: c.3616G>A on transcript NM_001278116.2 (MANE Select); coding-DNA position 3616, G replaced by A.
Protein change: p.Asp1206Asn; replaces aspartic acid 1206 with asparagine.
Molecular consequence: missense variant.
Genome position (GRCh38, 1-based): chrX:153,862,821, C>T on the plus strand (G>A on the coding strand, the complement: L1CAM is on the minus strand). VCF-style: chrX-153862821-C-T. GRCh37 (hg19) VCF-style: chrX-153128276-C-T.
Other names: c.3616G>A, p.Asp1206Asn (NM_000425.5); c.3589G>A, p.Asp1197Asn (NM_001143963.2); c.3604G>A, p.Asp1202Asn (NM_024003.3); short protein forms D1197N, D1202N, D1206N.
Identifiers: ClinVar variation 3343789 (VCV003343789.1).

ClinVar aggregate classification (germline): Uncertain significance (1 of 4 stars; one submission).

gnomAD v4.1: 2 of 1,212,190 alleles (0.00016%); highest among the groups gnomAD compares: Non-Finnish European, 0.00022%; no homozygotes.

Submission:

GeneDx
Classification: Uncertain significance. Last evaluated: 2023-05-21. Review status: criteria provided, single submitter. Criteria: GeneDx Variant Classification Process June 2021. Collection method: clinical testing. Allele origin: germline. Affected: yes.
Comment: Not observed at significant frequency in large population cohorts (gnomAD); In silico analysis supports that this missense variant has a deleterious effect on protein structure/function; Has not been previously published as pathogenic or benign to our knowledge